The following is an entry in ClinVar:

ClinVar aggregate classification (germline): Uncertain significance. Review status: criteria provided, multiple submitters, no conflicts (2 of 4 stars). 2 submissions from 2 submitters: Uncertain significance (2). Last evaluated 2024-10-07.

Conditions:
VPS13B-related disorder. Also called: VPS13B-related condition.
Cohen syndrome (COH1). Also called: Cutis verticis gyrata, retinitis pigmentosa, and sensorineural deafness; PEPPER SYNDROME. Identifiers: Orphanet 193, MedGen C0265223, MONDO:0008999, OMIM 216550.

Submissions (2):

PreventionGenetics, part of Exact Sciences
Classification: Uncertain significance for VPS13B-related condition. Last evaluated: 2024-10-07. Review status: criteria provided, single submitter. Criteria: ACMG Guidelines, 2015. Collection method: clinical testing. Allele origin: germline.
Comment: The VPS13B c.11814_11816delATC variant is predicted to result in an in-frame deletion (p.Ser3939del). To our knowledge, this variant has not been reported in the literature. This variant is reported in 0.0065% of alleles in individuals of European (Non-Finnish) descent in gnomAD. At this time, the clinical significance of this variant is uncertain due to the absence of conclusive functional and genetic evidence.

Labcorp Genetics (formerly Invitae), Labcorp
Classification: Uncertain significance for Cohen syndrome. Last evaluated: 2022-10-17. Review status: criteria provided, single submitter. Criteria: Invitae Variant Classification Sherloc (09022015). Collection method: clinical testing. Allele origin: germline.
Comment: This variant, c.11889_11891del, results in the deletion of 1 amino acid(s) of the VPS13B protein (p.Ser3964del), but otherwise preserves the integrity of the reading frame. In summary, the available evidence is currently insufficient to determine the role of this variant in disease. Therefore, it has been classified as a Variant of Uncertain Significance. Experimental studies and prediction algorithms are not available or were not evaluated, and the functional significance of this variant is currently unknown. ClinVar contains an entry for this variant (Variation ID: 1488073). This variant has not been reported in the literature in individuals affected with VPS13B-related conditions. This variant is present in population databases (no rsID available, gnomAD 0.0009%).

NM_152564.5(VPS13B):c.11814_11816del (p.Ser3939del)

Gene: VPS13B (vacuolar protein sorting 13 homolog B; plus strand). Cytogenetic location: 8q22.2.
Variant type: Deletion.
Coding change: c.11814_11816del on transcript NM_152564.5 (MANE Select); coding-DNA positions 11814 to 11816, 3 bases deleted (ATC; older notation c.11814_11816delATC).
Protein change: p.Ser3939del; deletes serine 3939.
Molecular consequence: inframe deletion.
Genome position (GRCh38, 1-based): chr8:99,875,486-99,875,488, ATC deleted; deleting any 3 consecutive bases within chr8:99,875,485-99,875,488 gives the same sequence; the c. name uses the placement nearest the transcript's 3' end. VCF-style (leftmost placement, unchanged base first): chr8-99875484-ACAT-A. GRCh37 (hg19) VCF-style: chr8-100887712-ACAT-A.
Other names: c.11889_11891del, p.Ser3964del (NM_017890.5); c.11814_11816delATC (NM_152564.4); short protein forms S3939del, S3964del.
Identifiers: ClinVar variation 1488073 (VCV001488073.10), dbSNP rs1236948038, ClinGen allele CA583856886.